The following is an entry in ClinVar:

ClinVar aggregate classification (germline): Pathogenic (1 of 4 stars; one submission).

Submission:

Labcorp Genetics (formerly Invitae), Labcorp
Classification: Pathogenic. Last evaluated: 2023-01-19. Review status: criteria provided, single submitter. Criteria: Invitae Variant Classification Sherloc (09022015). Collection method: clinical testing. Allele origin: germline.
Comment: For these reasons, this variant has been classified as Pathogenic. This variant has not been reported in the literature in individuals affected with CLTC-related conditions. This variant is not present in population databases (gnomAD no frequency). This sequence change creates a premature translational stop signal (p.Gln564Trpfs*5) in the CLTC gene. It is expected to result in an absent or disrupted protein product. Loss-of-function variants in CLTC are known to be pathogenic (PMID: 29100083).

Literature cited by the submitters: PubMed 29100083.

NM_004859.4(CLTC):c.1660_1676dup (p.Ile559_Gln560insTrpAsnThrIleTer)

Gene: CLTC (clathrin heavy chain; plus strand). Cytogenetic location: 17q23.1.
Variant type: Duplication.
Coding change: c.1660_1676dup on transcript NM_004859.4 (MANE Select); coding-DNA positions 1660 to 1676, 17 bases duplicated (ATGGAATACAATCTAAT).
Protein change: p.Ile559_Gln560insTrpAsnThrIleTer.
Molecular consequence: nonsense, inframe insertion.
Genome position (GRCh38, 1-based): chr17:59,666,118-59,666,134, ATGGAATACAATCTAAT duplicated; duplicating any 17 consecutive bases within chr17:59,666,117-59,666,134 gives the same sequence; the c. name uses the placement nearest the transcript's 3' end. VCF-style (leftmost placement, unchanged base first): chr17-59666116-T-TTATGGAATACAATCTAA. GRCh37 (hg19) VCF-style: chr17-57743477-T-TTATGGAATACAATCTAA.
Other names: c.1672_1688dup, p.Ile563_Gln564insTrpAsnThrIleTer (NM_001288653.2).
Identifiers: ClinVar variation 2830262 (VCV002830262.3), dbSNP rs2509383539, ClinGen allele CA2739268259.